The following is an entry in ClinVar:

NM_001127511.3(APC):c.-185A>C

Genes: APC (APC regulator of Wnt signaling pathway; plus strand), LOC129994371 (ATAC-STARR-seq lymphoblastoid active region 22910; plus strand). Cytogenetic location: 5q22.2.
Variant type: single nucleotide variant.
Coding change: c.-185A>C on transcript NM_001127511.3; 185 bases upstream of the start codon, A replaced by C.
Molecular consequence: 5 prime UTR variant. On other transcripts: non-coding transcript variant (2).
Genome position (GRCh38, 1-based): chr5:112,707,533, A>C. VCF-style: chr5-112707533-A-C. GRCh37 (hg19) VCF-style: chr5-112043230-A-C.
Other names: c.-368A>C (NM_001354895.2, NM_001407447.1, NM_001407452.1 and 3 more transcripts); c.-185A>C (NM_001354897.2, NM_001354902.2, NM_001407446.1); c.-135A>C (NM_001407448.1, NM_001407450.1, NM_001407457.1 and 1 more transcripts); c.-159A>C (NM_001407453.1); c.-1403A>C (NM_001407470.1, NM_001407472.1).
Identifiers: ClinVar variation 1003355 (VCV001003355.9), dbSNP rs1433000483, ClinGen allele CA1573442403.
Genomic context (GRCh38, chr5:112,707,533, plus strand): 5'-AGCCAGCAACACCTCTCACGCATGCGCATTGTAGTCTTCCCACCTCCCACAAGATGGCGG[A>C]GGGCAAGTAGCAAGGGGGCGGGGTGTGGCCGCCGGAAGCCTAGCCGCTGCTCGGGGGGGA-3'

ClinVar aggregate classification (germline): Uncertain significance (1 of 4 stars; one submission).

Conditions:
Familial adenomatous polyposis 1 (FAP1). Also called: FAMILIAL ADENOMATOUS POLYPOSIS 1, ATTENUATED; POLYPOSIS, ADENOMATOUS INTESTINAL. Identifiers: MedGen C2713442, MONDO:0021056, OMIM 175100. Disease mechanism: loss of function.

Submission:

Labcorp Genetics (formerly Invitae), Labcorp
Classification: Uncertain significance for Familial adenomatous polyposis 1. Last evaluated: 2019-05-02. Review status: criteria provided, single submitter. Criteria: Invitae Variant Classification Sherloc (09022015). Collection method: clinical testing. Allele origin: germline.
Comment: This variant occurs in a non-coding region of the APC gene. It does not change the encoded amino acid sequence of the APC protein. The frequency data for this variant in the population databases is considered unreliable, as metrics indicate insufficient coverage at this position in the ExAC database. This variant has not been reported in the literature in individuals with APC-related conditions. Experimental studies and prediction algorithms are not available for this variant, and the functional significance of this non-coding change is currently unknown. In summary, the available evidence is currently insufficient to determine the role of this variant in disease. Therefore, it has been classified as a Variant of Uncertain Significance.